The following is an entry in ClinVar:

ClinVar aggregate classification (germline): Uncertain significance (1 of 4 stars; one submission).

Conditions:
Brugada syndrome 5 (BRGDA5). Identifiers: Orphanet 130, Orphanet 871, MedGen C2748541, MONDO:0013015, OMIM 612838.

Submission:

Labcorp Genetics (formerly Invitae), Labcorp
Classification: Uncertain significance for Brugada syndrome 5. Last evaluated: 2020-09-15. Review status: criteria provided, single submitter. Criteria: Invitae Variant Classification Sherloc (09022015). Collection method: clinical testing. Allele origin: germline.
Comment: In summary, the available evidence is currently insufficient to determine the role of this variant in disease. Therefore, it has been classified as a Variant of Uncertain Significance. Algorithms developed to predict the effect of missense changes on protein structure and function are either unavailable or do not agree on the potential impact of this missense change (SIFT: "Tolerated"; PolyPhen-2: "Probably Damaging"; Align-GVGD: "Class C0"). This variant has not been reported in the literature in individuals with SCN1B-related conditions. This variant is not present in population databases (ExAC no frequency). This sequence change replaces valine with phenylalanine at codon 123 of the SCN1B protein (p.Val123Phe). The valine residue is moderately conserved and there is a small physicochemical difference between valine and phenylalanine.

NM_001037.5(SCN1B):c.367G>T (p.Val123Phe)

Gene: SCN1B (sodium voltage-gated channel beta subunit 1; plus strand). Cytogenetic location: 19q13.11.
Variant type: single nucleotide variant.
Coding change: c.367G>T on transcript NM_001037.5 (MANE Select); coding-DNA position 367, G replaced by T.
Protein change: p.Val123Phe; replaces valine 123 with phenylalanine.
Molecular consequence: missense variant.
Genome position (GRCh38, 1-based): chr19:35,033,658, G>T. VCF-style: chr19-35033658-G-T. GRCh37 (hg19) VCF-style: chr19-35524562-G-T.
Other names: c.268G>T, p.Val90Phe (NM_001321605.2); c.367G>T, p.Val123Phe (NM_199037.5); short protein forms V123F, V90F.
Identifiers: ClinVar variation 1059742 (VCV001059742.9), dbSNP rs754215948, ClinGen allele CA405328881.